The following is an entry in ClinVar:

NM_001105206.3(LAMA4):c.3055T>C (p.Tyr1019His)

Gene: LAMA4 (laminin subunit alpha 4; minus strand). Cytogenetic location: 6q21.
Variant type: single nucleotide variant.
Coding change: c.3055T>C on transcript NM_001105206.3 (MANE Select); coding-DNA position 3055, T replaced by C.
Protein change: p.Tyr1019His; replaces tyrosine 1019 with histidine.
Molecular consequence: missense variant.
Genome position (GRCh38, 1-based): chr6:112,139,807, A>G on the plus strand (T>C on the coding strand, the complement: LAMA4 is on the minus strand). VCF-style: chr6-112139807-A-G. GRCh37 (hg19) VCF-style: chr6-112461009-A-G.
Other names: p.Y1012H:TAC>CAC; c.3034T>C (LRG_433t2); c.3034T>C, p.Tyr1012His (NM_001105207.3, NM_002290.5); short protein forms Y1012H, Y1019H.
Identifiers: ClinVar variation 213590 (VCV000213590.21), dbSNP rs73532636, ClinGen allele CA324668.

ClinVar aggregate classification (germline): Conflicting classifications of pathogenicity. Review status: criteria provided, conflicting classifications (1 of 4 stars). 4 submissions from 4 submitters: Uncertain significance (1); Likely benign (3). Last evaluated 2026-03-02.

Conditions:
Cardiovascular phenotype. Identifiers: MedGen CN230736.
Dilated cardiomyopathy 1JJ (CMD1JJ). Identifiers: Orphanet 154, MedGen C3808935, MONDO:0014095, OMIM 615235.

Allele frequency attached by ClinVar (database versions not stated): 1000 Genomes Project 30x 0.00062; gnomAD exomes 0.00006 and 0.00008; ExAC 0.00007; 1000 Genomes Project 0.00020; ESP Exome Variant Server 0.00023; gnomAD 0.00045 and 0.00048; TOPMed 0.00052.
gnomAD v4.1: 150 of 1,614,064 alleles (0.0093%); highest among the groups gnomAD compares: African/African-American, 0.19%; no homozygotes.

Submissions (4):

Women's Health and Genetics/Laboratory Corporation of America, LabCorp
Classification: Likely benign. Last evaluated: 2026-03-02. Review status: criteria provided, single submitter. Criteria: LabCorp Variant Classification Summary - May 2015. Collection method: clinical testing. Allele origin: germline.

Labcorp Genetics (formerly Invitae), Labcorp
Classification: Likely benign for Dilated cardiomyopathy 1JJ. Last evaluated: 2026-01-16. Review status: criteria provided, single submitter. Criteria: Invitae Variant Classification Sherloc (09022015). Collection method: clinical testing. Allele origin: germline.

GeneDx
Classification: Uncertain significance. Last evaluated: 2023-08-07. Review status: criteria provided, single submitter. Criteria: GeneDx Variant Classification Process June 2021. Collection method: clinical testing. Allele origin: germline. Affected: yes.
Comment: Reported in two patients with dilated cardiomyopathy and in three healthy control individuals (Mazzarotto et al., 2020); In silico analysis supports that this missense variant has a deleterious effect on protein structure/function; This variant is associated with the following publications: (PMID: 31983221)

Ambry Genetics
Classification: Likely benign for Cardiovascular phenotype. Last evaluated: 2021-10-13. Review status: criteria provided, single submitter. Criteria: Ambry Variant Classification Scheme 2023. Collection method: clinical testing. Allele origin: germline.

Literature cited by the submitters: PubMed 31983221 (cited by Ambry Genetics).